The following is an entry in ClinVar:

NM_030943.4(AMN):c.367G>T (p.Glu123Ter)

Gene: AMN (amnion associated transmembrane protein; plus strand). Cytogenetic location: 14q32.32.
Variant type: single nucleotide variant.
Coding change: c.367G>T on transcript NM_030943.4 (MANE Select); coding-DNA position 367, G replaced by T.
Protein change: p.Glu123Ter; replaces glutamic acid 123 with a stop codon.
Molecular consequence: nonsense.
Genome position (GRCh38, 1-based): chr14:102,928,829, G>T. VCF-style: chr14-102928829-G-T. GRCh37 (hg19) VCF-style: chr14-103395166-G-T.
Other names: c.205G>T, p.Glu69Ter (NM_001425246.1); short protein forms E123*, E69*.
Identifiers: ClinVar variation 4886924 (VCV004886924.1).

ClinVar aggregate classification (germline): Likely pathogenic (1 of 4 stars; one submission).

Conditions:
Imerslund-Grasbeck syndrome type 2. Also called: Megaloblastic anemia 1, Norwegian type; MEGALOBLASTIC ANEMIA, NORWEGIAN TYPE; Imerslund-Gräsbeck syndrome 2. Identifiers: MedGen C4016948, MONDO:0100157, OMIM 618882.

Submission:

Cellular and Molecular Biology and Microbiology, Division of Genetics, University of Isfahan
Classification: Likely pathogenic for Imerslund-Grasbeck syndrome type 2. Last evaluated: 2026-08-15. Review status: criteria provided, single submitter. Criteria: ACMG Guidelines, 2015. Collection method: clinical testing. Allele origin: germline. Inheritance: Autosomal recessive inheritance. Affected: yes. Observed: 1 variant allele, 1 homozygote.